The following is an entry in ClinVar:

NM_173628.4(DNAH17):c.10529+8_10529+10del

Gene: DNAH17 (dynein axonemal heavy chain 17; minus strand). Cytogenetic location: 17q25.3.
Variant type: Microsatellite.
Coding change: c.10529+8_10529+10del on transcript NM_173628.4 (MANE Select); bases 8 to 10 of the intron after coding-DNA position 10529, 3 bases deleted (GTT; older notation c.10529+8_10529+10delGTT).
Molecular consequence: intron variant.
Genome position (GRCh38, 1-based): chr17:78,453,333-78,453,335, AAC deleted on the plus strand (GTT on the coding strand, the reverse complement: DNAH17 is on the minus strand); deleting any 3 consecutive bases within chr17:78,453,333-78,453,338 gives the same sequence; the c. name uses the placement nearest the transcript's 3' end. VCF-style (leftmost placement, unchanged base first): chr17-78453332-AAAC-A. GRCh37 (hg19) VCF-style: chr17-76449414-AAAC-A.
Identifiers: ClinVar variation 3041597 (VCV003041597.7), dbSNP rs555926250, ClinGen allele CA8800818.
Genomic context (GRCh38, chr17:78,453,332, plus strand): 5'-CATGCACACGCCCAGGCCTCGGGCCTGAAGATGTTTACCTGGCTCAAGCCACGGAGGCGG[AAAC>A]AACTCACTTTCCCTTTTTAATCGTGTTCCTGCCCAGTAGAGGGTCCAGCACGGGGTCCAC-3'

ClinVar aggregate classification (germline): Likely benign. Review status: criteria provided, multiple submitters, no conflicts (2 of 4 stars). 3 submissions from 3 submitters: Likely benign (2). 1 of the submissions does not count toward it. Last evaluated 2026-07-01.

Conditions:
DNAH17-related disorder. Also called: DNAH17-related condition.

Submissions (3):

CeGaT Center for Human Genetics Tuebingen
Classification: Likely benign. Last evaluated: 2026-07-01. Review status: criteria provided, single submitter. Criteria: CeGaT Center For Human Genetics Tuebingen Variant Classification Criteria Version 2. Collection method: clinical testing. Allele origin: germline. Affected: yes. Observed: 2 variant alleles.
Comment: DNAH17: BS2

Blueprint Genetics
Classification: Likely benign. Last evaluated: 2024-11-27. Review status: criteria provided, single submitter. Criteria: ACMG Guidelines, 2015. Collection method: clinical testing. Allele origin: germline.

PreventionGenetics, part of Exact Sciences
Classification: Benign for DNAH17-related condition. Last evaluated: 2019-04-08. Review status: no assertion criteria provided. Collection method: clinical testing. Allele origin: germline. Not counted in ClinVar's aggregate classification.
Comment: This variant is classified as benign based on ACMG/AMP sequence variant interpretation guidelines (Richards et al. 2015 PMID: 25741868, with internal and published modifications).